The following is an entry in ClinVar:

ClinVar aggregate classification (germline): Benign/Likely benign. Review status: criteria provided, multiple submitters, no conflicts (2 of 4 stars). 5 submissions from 5 submitters: Benign (1); Likely benign (4). Last evaluated 2025-12-08.

Conditions:
Hereditary cancer-predisposing syndrome. Also called: Hereditary Cancer Syndrome; Neoplastic Syndromes, Hereditary; Tumor predisposition; Hereditary neoplastic syndrome. Identifiers: Orphanet 140162, MedGen C0027672, MeSH D009386, MONDO:0015356.
Familial cancer of breast. Also called: BREAST CANCER, FAMILIAL; Hereditary breast cancer; hereditary breast carcinoma. Identifiers: Orphanet 227535, MedGen C0346153, MONDO:0016419, OMIM 114480. Disease mechanism: loss of function.
Ataxia-telangiectasia syndrome (AT). Also called: Cerebello-oculocutaneous telangiectasia; Immunodeficiency with ataxia telangiectasia; Ataxia-telangiectasia, complementation group E; Ataxia-telangiectasia, complementation group D; AT, COMPLEMENTATION GROUP C; ATAXIA-TELANGIECTASIA, COMPLEMENTATION GROUP A. Identifiers: Orphanet 100, MedGen C0004135, MONDO:0008840, OMIM 208900.

Submissions (5):

Labcorp Genetics (formerly Invitae), Labcorp
Classification: Likely benign for Ataxia-telangiectasia syndrome. Last evaluated: 2025-12-08. Review status: criteria provided, single submitter. Criteria: Invitae Variant Classification Sherloc (09022015). Collection method: clinical testing. Allele origin: germline.

Ambry Genetics
Classification: Likely benign for Hereditary cancer-predisposing syndrome. Last evaluated: 2025-11-29. Review status: criteria provided, single submitter. Criteria: Ambry Variant Classification Scheme 2023. Collection method: clinical testing. Allele origin: germline.

Myriad Genetics, Inc.
Classification: Benign for Familial cancer of breast. Last evaluated: 2024-06-14. Review status: criteria provided, single submitter. Criteria: Myriad Autosomal Dominant, Autosomal Recessive and X-Linked Classification Criteria (2023). Collection method: clinical testing. Allele origin: unknown.
Comment: This variant is considered benign. This variant is a silent/synonymous amino acid change and it is not expected to impact splicing.

Blueprint Genetics
Classification: Likely benign. Last evaluated: 2023-01-13. Review status: criteria provided, single submitter. Criteria: ACMG Guidelines, 2015. Collection method: clinical testing. Allele origin: germline.

Color Diagnostics, LLC DBA Color Health
Classification: Likely benign for Hereditary cancer-predisposing syndrome. Last evaluated: 2017-05-22. Review status: criteria provided, single submitter. Criteria: ACMG Guidelines, 2015. Collection method: clinical testing. Allele origin: germline.

NM_000051.4(ATM):c.7587C>T (p.Thr2529=)

Genes: ATM (ATM serine/threonine kinase; plus strand), C11orf65 (chromosome 11 open reading frame 65; minus strand). Cytogenetic location: 11q22.3.
Variant type: single nucleotide variant.
Coding change: c.7587C>T on transcript NM_000051.4 (MANE Select); coding-DNA position 7587, C replaced by T.
Protein change: p.Thr2529=; no amino-acid change (threonine 2529 retained).
Molecular consequence: synonymous variant. On other transcripts: non-coding transcript variant (1), intron variant (2).
Genome position (GRCh38, 1-based): chr11:108,331,515, C>T. VCF-style: chr11-108331515-C-T. GRCh37 (hg19) VCF-style: chr11-108202242-C-T.
Other names: c.7587C>T, p.Thr2529= (NM_001351834.2); c.641-22444G>A (NM_001330368.2); c.*38+3705G>A (NM_001351110.2).
Identifiers: ClinVar variation 490702 (VCV000490702.15), dbSNP rs890244103, ClinGen allele CA228418472.